The following is an entry in ClinVar:

ClinVar aggregate classification (germline): Likely benign (0 of 4 stars; one submission).

Conditions:
IL17RD-related disorder. Also called: IL17RD-related condition.

Allele frequency attached by ClinVar (database versions not stated): ExAC 0.00001; TOPMed 0.00002; gnomAD 0.00003; gnomAD exomes 0.00005; ESP Exome Variant Server 0.00008.
gnomAD v4.1: 73 of 1,613,856 alleles (0.0045%); highest among the groups gnomAD compares: Non-Finnish European, 0.0058%; no homozygotes.

Submission:

PreventionGenetics, part of Exact Sciences
Classification: Likely benign for IL17RD-related condition. Last evaluated: 2019-05-15. Review status: no assertion criteria provided. Collection method: clinical testing. Allele origin: germline.
Comment: This variant is classified as likely benign based on ACMG/AMP sequence variant interpretation guidelines (Richards et al. 2015 PMID: 25741868, with internal and published modifications).

NM_017563.5(IL17RD):c.1548C>T (p.His516=)

Genes: IL17RD (interleukin 17 receptor D; minus strand), LOC126806689 (BRD4-independent group 4 enhancer GRCh37_chr3:57131244-57132443; plus strand). Cytogenetic location: 3p14.3.
Variant type: single nucleotide variant.
Coding change: c.1548C>T on transcript NM_017563.5 (MANE Select); coding-DNA position 1548, C replaced by T.
Protein change: p.His516=; no amino-acid change (histidine 516 retained).
Molecular consequence: synonymous variant.
Genome position (GRCh38, 1-based): chr3:57,098,155, G>A on the plus strand (C>T on the coding strand, the complement: IL17RD is on the minus strand). VCF-style: chr3-57098155-G-A. GRCh37 (hg19) VCF-style: chr3-57132183-G-A.
Other names: c.1548C>T, p.His516= (NM_001080973.1); c.1116C>T, p.His372= (NM_001318864.2).
Identifiers: ClinVar variation 3042330 (VCV003042330.2), dbSNP rs370328017, ClinGen allele CA2462709.